The following is an entry in ClinVar:

ClinVar aggregate classification (germline): Uncertain significance. Review status: criteria provided, multiple submitters, no conflicts (2 of 4 stars). 4 submissions from 4 submitters: Uncertain significance (4). Last evaluated 2025-10-21.

Conditions:
Hereditary cancer-predisposing syndrome. Also called: Neoplastic Syndromes, Hereditary; Tumor predisposition; Hereditary Cancer Syndrome; Hereditary neoplastic syndrome. Identifiers: Orphanet 140162, MedGen C0027672, MeSH D009386, MONDO:0015356.
Familial adenomatous polyposis 1 (FAP1). Also called: FAMILIAL ADENOMATOUS POLYPOSIS 1, ATTENUATED; POLYPOSIS, ADENOMATOUS INTESTINAL. Identifiers: MedGen C2713442, MONDO:0021056, OMIM 175100. Disease mechanism: loss of function.

Allele frequency attached by ClinVar (database versions not stated): TOPMed below 0.00001.

Submissions (4):

Ambry Genetics
Classification: Uncertain significance for Hereditary cancer-predisposing syndrome. Last evaluated: 2025-10-21. Review status: criteria provided, single submitter. Criteria: Ambry Variant Classification Scheme 2023. Collection method: clinical testing. Allele origin: germline.
Comment: The p.V1641L variant (also known as c.4921G>C), located in coding exon 15 of the APC gene, results from a G to C substitution at nucleotide position 4921. The valine at codon 1641 is replaced by leucine, an amino acid with highly similar properties. This amino acid position is well conserved in available vertebrate species. In addition, in silico predictors for this gene do not accurately predict pathogenicity. Since supporting evidence is limited at this time, the clinical significance of this alteration remains unclear.

Labcorp Genetics (formerly Invitae), Labcorp
Classification: Uncertain significance for Familial adenomatous polyposis 1. Last evaluated: 2024-09-18. Review status: criteria provided, single submitter. Criteria: Invitae Variant Classification Sherloc (09022015). Collection method: clinical testing. Allele origin: germline.
Comment: This sequence change replaces valine, which is neutral and non-polar, with leucine, which is neutral and non-polar, at codon 1641 of the APC protein (p.Val1641Leu). This variant is not present in population databases (gnomAD no frequency). This variant has not been reported in the literature in individuals affected with APC-related conditions. ClinVar contains an entry for this variant (Variation ID: 482483). Invitae Evidence Modeling of protein sequence and biophysical properties (such as structural, functional, and spatial information, amino acid conservation, physicochemical variation, residue mobility, and thermodynamic stability) indicates that this missense variant is not expected to disrupt APC protein function with a negative predictive value of 95%. In summary, the available evidence is currently insufficient to determine the role of this variant in disease. Therefore, it has been classified as a Variant of Uncertain Significance.

Color Diagnostics, LLC DBA Color Health
Classification: Uncertain significance for Hereditary cancer-predisposing syndrome. Last evaluated: 2023-12-04. Review status: criteria provided, single submitter. Criteria: ACMG Guidelines, 2015. Collection method: clinical testing. Allele origin: germline.
Comment: This missense variant replaces valine with leucine at codon 1641 of the APC protein. Computational prediction suggests that this variant may not impact protein structure and function (internally defined REVEL score threshold <= 0.5, PMID: 27666373). To our knowledge, functional studies have not been reported for this variant. This variant has not been reported in individuals affected with APC-related disorders in the literature. This variant has not been identified in the general population by the Genome Aggregation Database (gnomAD). The available evidence is insufficient to determine the role of this variant in disease conclusively. Therefore, this variant is classified as a Variant of Uncertain Significance.

Baylor Genetics
Classification: Uncertain significance for Familial adenomatous polyposis 1. Last evaluated: 2023-05-23. Review status: criteria provided, single submitter. Criteria: ACMG Guidelines, 2015. Collection method: clinical testing. Allele origin: unknown.

NM_000038.6(APC):c.4921G>C (p.Val1641Leu)

Gene: APC (APC regulator of Wnt signaling pathway; plus strand). Cytogenetic location: 5q22.2.
Variant type: single nucleotide variant.
Coding change: c.4921G>C on transcript NM_000038.6 (MANE Select); coding-DNA position 4921, G replaced by C.
Protein change: p.Val1641Leu; replaces valine 1641 with leucine.
Molecular consequence: missense variant.
Genome position (GRCh38, 1-based): chr5:112,840,515, G>C. VCF-style: chr5-112840515-G-C. GRCh37 (hg19) VCF-style: chr5-112176212-G-C.
Other names: c.4921G>C, p.Val1641Leu (NM_001127510.3, NM_001354895.2); c.4867G>C, p.Val1623Leu (NM_001127511.3); c.4975G>C, p.Val1659Leu (NM_001354896.2); c.4951G>C, p.Val1651Leu (NM_001354897.2); c.4846G>C, p.Val1616Leu (NM_001354898.2); c.4837G>C, p.Val1613Leu (NM_001354899.2); c.4798G>C, p.Val1600Leu (NM_001354900.2); c.4744G>C, p.Val1582Leu (NM_001354901.2); and 5 more; short protein forms V1641L, V1623L, V1540L, V1550L, V1582L, V1651L, V1358L, V1600L.
Identifiers: ClinVar variation 482483 (VCV000482483.19), dbSNP rs755126540, ClinGen allele CA16032109.